The following is an entry in ClinVar:

NM_001042492.3(NF1):c.6006_6006+1delinsAA

Gene: NF1 (neurofibromin 1; plus strand). Cytogenetic location: 17q11.2.
Variant type: Indel.
Coding change: c.6006_6006+1delinsAA on transcript NM_001042492.3 (MANE Select); coding-DNA position 6006 through the canonical splice donor site of the intron after coding-DNA position 6006, GG replaced by AA.
Molecular consequence: splice donor variant.
Genome position (GRCh38, 1-based): chr17:31,335,031-31,335,032, GG replaced by AA. VCF-style: chr17-31335031-GG-AA. GRCh37 (hg19) VCF-style: chr17-29662049-GG-AA.
Other names: c.5943_5943+1delGGinsAA (NM_000267.3); c.5943_5943+1delinsAA (NM_000267.4).
Identifiers: ClinVar variation 422898 (VCV000422898.2), dbSNP rs1064796077, ClinGen allele CA16620371.

ClinVar aggregate classification (germline): Pathogenic (1 of 4 stars; one submission).

Submission:

GeneDx
Classification: Pathogenic. Last evaluated: 2016-12-21. Review status: criteria provided, single submitter. Criteria: GeneDx Variant Classification (06012015). Collection method: clinical testing. Allele origin: germline. Affected: yes.
Comment: The c.5943_5943+1delGGinsAA splice site variant in the NF1 gene destroys the canonical splice donor site in intron 39. It is predicted to cause abnormal gene splicing, either leading to an abnormal message that is subject to nonsense-mediated mRNA decay, or to an abnormal protein product if the message is used for protein translation. The variant was not observed in approximately 6,500 individuals of European and African American ancestry in the NHLBI Exome Sequencing Project, indicating it is not a common benign variant in these populations. Although this pathogenic variant has not been previously reported to our knowledge, its presence is consistent with a diagnosis of neurofibromatosis type 1.